The following is an entry in ClinVar:

ClinVar aggregate classification (germline): Uncertain significance. Review status: criteria provided, multiple submitters, no conflicts (2 of 4 stars). 2 submissions from 2 submitters: Uncertain significance (2). Last evaluated 2024-12-29.

Conditions:
DNAH6-related disorder. Also called: DNAH6-related condition.

Allele frequency attached by ClinVar (database versions not stated): gnomAD exomes below 0.00001.

Submissions (2):

PreventionGenetics, part of Exact Sciences
Classification: Uncertain significance for DNAH6-related condition. Last evaluated: 2024-12-29. Review status: criteria provided, single submitter. Criteria: ACMG Guidelines, 2015. Collection method: clinical testing. Allele origin: germline.
Comment: The DNAH6 c.6653G>A variant is predicted to result in the amino acid substitution p.Gly2218Asp. To our knowledge, this variant has not been reported in the literature or in a large population database (gnomAD), indicating this variant is rare. At this time, the clinical significance of this variant is uncertain due to the absence of conclusive functional and genetic evidence.

Ambry Genetics
Classification: Uncertain significance. Last evaluated: 2021-11-12. Review status: criteria provided, single submitter. Criteria: Ambry Variant Classification Scheme 2023. Collection method: clinical testing. Allele origin: germline.

NM_001370.2(DNAH6):c.6653G>A (p.Gly2218Asp)

Gene: DNAH6 (dynein axonemal heavy chain 6; plus strand). Cytogenetic location: 2p11.2.
Variant type: single nucleotide variant.
Coding change: c.6653G>A on transcript NM_001370.2 (MANE Select); coding-DNA position 6653, G replaced by A.
Protein change: p.Gly2218Asp; replaces glycine 2218 with aspartic acid.
Molecular consequence: missense variant.
Genome position (GRCh38, 1-based): chr2:84,677,045, G>A. VCF-style: chr2-84677045-G-A. GRCh37 (hg19) VCF-style: chr2-84904169-G-A.
Other names: short protein forms G2218D.
Identifiers: ClinVar variation 2260602 (VCV002260602.3), dbSNP rs2470066211, ClinGen allele CA347518726.
Genomic context (GRCh38, chr2:84,677,045, plus strand): 5'-GTGGATTTCTCTGCACACAGGATGTAACAATCATATCGGCATGTGCACCTCCAGGCGGTG[G>A]CCGCAACCCTGTGACTCCCCGCTTCATCAGACACTTCAGCATGCTGTGCCTCCCAATGCC-3'
Protein context (NP_001361.1, residues 2208-2228): IISACAPPGG[Gly2218Asp]RNPVTPRFIR